The following is an entry in ClinVar:

NM_020975.6(RET):c.2186C>T (p.Thr729Ile)

Gene: RET (ret proto-oncogene; plus strand). Cytogenetic location: 10q11.21.
Variant type: single nucleotide variant.
Coding change: c.2186C>T on transcript NM_020975.6 (MANE Select); coding-DNA position 2186, C replaced by T.
Protein change: p.Thr729Ile; replaces threonine 729 with isoleucine.
Molecular consequence: missense variant.
Genome position (GRCh38, 1-based): chr10:43,116,633, C>T. VCF-style: chr10-43116633-C-T. GRCh37 (hg19) VCF-style: chr10-43612081-C-T.
Other names: c.2186C>T, p.Thr729Ile (NM_000323.2, NM_001406743.1, NM_001406744.1 and 4 more transcripts); c.1424C>T, p.Thr475Ile (NM_001355216.2); c.2057C>T, p.Thr686Ile (NM_001406761.1, NM_001406762.1, NM_001406764.1); c.2051C>T, p.Thr684Ile (NM_001406763.1, NM_001406765.1); c.1898C>T, p.Thr633Ile (NM_001406766.1, NM_001406767.1, NM_001406770.1); c.1460C>T, p.Thr487Ile (NM_001406777.1, NM_001406778.1, NM_001406775.1 and 1 more transcripts); c.1289C>T, p.Thr430Ile (NM_001406779.1, NM_001406780.1, NM_001406781.1 and 1 more transcripts); c.1160C>T, p.Thr387Ile (NM_001406783.1, NM_001406786.1); and 10 more; short protein forms T475I, T729I, T399I, T334I, T597I, T684I, T246I, T294I.
Identifiers: ClinVar variation 1523134 (VCV001523134.10), dbSNP rs2132904896, ClinGen allele CA376554393.

ClinVar aggregate classification (germline): Uncertain significance. Review status: criteria provided, multiple submitters, no conflicts (2 of 4 stars). 2 submissions from 2 submitters: Uncertain significance (2). Last evaluated 2024-02-20.

Conditions:
Hereditary cancer-predisposing syndrome. Also called: Hereditary neoplastic syndrome; Hereditary Cancer Syndrome; Tumor predisposition; Neoplastic Syndromes, Hereditary. Identifiers: Orphanet 140162, MedGen C0027672, MeSH D009386, MONDO:0015356.
Multiple endocrine neoplasia, type 2 (MEN2). Identifiers: Orphanet 653, MedGen C4048306, MONDO:0019003. Disease mechanism: gain of function.

Submissions (2):

Ambry Genetics
Classification: Uncertain significance for Hereditary cancer-predisposing syndrome. Last evaluated: 2024-02-20. Review status: criteria provided, single submitter. Criteria: Ambry Variant Classification Scheme 2023. Collection method: clinical testing. Allele origin: germline.
Comment: The p.T729I variant (also known as c.2186C>T), located in coding exon 12 of the RET gene, results from a C to T substitution at nucleotide position 2186. The threonine at codon 729 is replaced by isoleucine, an amino acid with similar properties. This amino acid position is conserved. In addition, this alteration is predicted to be deleterious by in silico analysis. Based on the available evidence, the clinical significance of this alteration remains unclear.

Labcorp Genetics (formerly Invitae), Labcorp
Classification: Uncertain significance for Multiple endocrine neoplasia, type 2. Last evaluated: 2023-12-13. Review status: criteria provided, single submitter. Criteria: Invitae Variant Classification Sherloc (09022015). Collection method: clinical testing. Allele origin: germline.
Comment: This sequence change replaces threonine, which is neutral and polar, with isoleucine, which is neutral and non-polar, at codon 729 of the RET protein (p.Thr729Ile). This variant is not present in population databases (gnomAD no frequency). This variant has not been reported in the literature in individuals affected with RET-related conditions. ClinVar contains an entry for this variant (Variation ID: 1523134). An algorithm developed to predict the effect of missense changes on protein structure and function (PolyPhen-2) suggests that this variant is likely to be disruptive. In summary, the available evidence is currently insufficient to determine the role of this variant in disease. Therefore, it has been classified as a Variant of Uncertain Significance.